The following is an entry in ClinVar:

ClinVar aggregate classification (germline): Uncertain significance (1 of 4 stars; one submission).

Conditions:
Hereditary spastic paraplegia 11. Also called: Spastic Paraplegia 11; Nakamura Osame syndrome; Autosomal recessive hereditary spastic paraplegia, mental impairment, and thin corpus callosum; SPASTIC PARAPLEGIA, AUTOSOMAL RECESSIVE, COMPLICATED, WITH THIN CORPUS CALLOSUM; SPASTIC PARAPLEGIA, AUTOSOMAL RECESSIVE, WITH MENTAL IMPAIRMENT AND THIN CORPUS CALLOSUM; Spastic paraplegia, mental retardation and thin corpus callosum. Identifiers: Orphanet 2822, MedGen C1858479, MONDO:0011445, OMIM 604360.

gnomAD v4.1: 3 of 1,614,126 alleles (0.00019%); highest among the groups gnomAD compares: Non-Finnish European, 0.00025%; no homozygotes.

Submission:

Labcorp Genetics (formerly Invitae), Labcorp
Classification: Uncertain significance for Hereditary spastic paraplegia 11. Last evaluated: 2021-11-20. Review status: criteria provided, single submitter. Criteria: Invitae Variant Classification Sherloc (09022015). Collection method: clinical testing. Allele origin: germline.
Comment: In summary, the available evidence is currently insufficient to determine the role of this variant in disease. Therefore, it has been classified as a Variant of Uncertain Significance. Algorithms developed to predict the effect of missense changes on protein structure and function (SIFT, PolyPhen-2, Align-GVGD) all suggest that this variant is likely to be tolerated. This variant has not been reported in the literature in individuals affected with SPG11-related conditions. This variant is not present in population databases (gnomAD no frequency). This sequence change replaces arginine, which is basic and polar, with glycine, which is neutral and non-polar, at codon 2059 of the SPG11 protein (p.Arg2059Gly).

NM_025137.4(SPG11):c.6175C>G (p.Arg2059Gly)

Gene: SPG11 (SPG11 vesicle trafficking associated, spatacsin; minus strand). Cytogenetic location: 15q21.1.
Variant type: single nucleotide variant.
Coding change: c.6175C>G on transcript NM_025137.4 (MANE Select); coding-DNA position 6175, C replaced by G.
Protein change: p.Arg2059Gly; replaces arginine 2059 with glycine.
Molecular consequence: missense variant. On other transcripts: intron variant (1).
Genome position (GRCh38, 1-based): chr15:44,573,577, G>C on the plus strand (C>G on the coding strand, the complement: SPG11 is on the minus strand). VCF-style: chr15-44573577-G-C. GRCh37 (hg19) VCF-style: chr15-44865775-G-C.
Other names: c.5867-757C>G (NM_001160227.2); short protein forms R2059G.
Identifiers: ClinVar variation 1349237 (VCV001349237.6), dbSNP rs755438310, ClinGen allele CA392218148.